The following is an entry in ClinVar:

ClinVar aggregate classification (germline): Conflicting classifications of pathogenicity. Review status: criteria provided, conflicting classifications (1 of 4 stars). 3 submissions from 3 submitters: Likely pathogenic (1); Uncertain significance (2). Last evaluated 2025-09-24.

Conditions:
Actin accumulation myopathy (CMYO2A). Also called: Myopathy, actin, congenital, with cores; Nemaline myopathy 3, with intranuclear rods; Nemaline myopathy type 3; Myopathy, actin, congenital, with excess of thin myofilaments; CONGENITAL MYOPATHY 2A, TYPICAL, AUTOSOMAL DOMINANT. Identifiers: Orphanet 98904, MedGen C3711389, MONDO:0008070, OMIM 161800.

Submissions (3):

Genesolutions, Medical Genetics Institutes, Ho Chi Minh City, Vietnam
Classification: Likely pathogenic for Actin accumulation myopathy. Last evaluated: 2025-09-24. Review status: criteria provided, single submitter. Criteria: ACMG Guidelines, 2015. Collection method: clinical testing. Allele origin: germline. Affected: yes.

Labcorp Genetics (formerly Invitae), Labcorp
Classification: Uncertain significance for Actin accumulation myopathy. Last evaluated: 2023-10-03. Review status: criteria provided, single submitter. Criteria: Invitae Variant Classification Sherloc (09022015). Collection method: clinical testing. Allele origin: germline.
Comment: This sequence change replaces threonine, which is neutral and polar, with alanine, which is neutral and non-polar, at codon 353 of the ACTA1 protein (p.Thr353Ala). This variant is not present in population databases (gnomAD no frequency). This missense change has been observed in individual(s) with congenital myopathy (PMID: 33667896). In at least one individual the variant was observed to be de novo. ClinVar contains an entry for this variant (Variation ID: 843807). Advanced modeling of protein sequence and biophysical properties (such as structural, functional, and spatial information, amino acid conservation, physicochemical variation, residue mobility, and thermodynamic stability) performed at Invitae indicates that this missense variant is not expected to disrupt ACTA1 protein function. In summary, the available evidence is currently insufficient to determine the role of this variant in disease. Therefore, it has been classified as a Variant of Uncertain Significance.

Revvity Omics, Revvity
Classification: Uncertain significance. Last evaluated: 2022-02-15. Review status: criteria provided, single submitter. Criteria: ACMG Guidelines, 2015. Collection method: clinical testing. Allele origin: germline.

Literature cited by the submitters: PubMed 33667896 (cited by Labcorp Genetics (formerly Invitae), Labcorp).

NM_001100.4(ACTA1):c.1057A>G (p.Thr353Ala)

Gene: ACTA1 (actin alpha 1, skeletal muscle; minus strand). Cytogenetic location: 1q42.13.
Variant type: single nucleotide variant.
Coding change: c.1057A>G on transcript NM_001100.4 (MANE Select); coding-DNA position 1057, A replaced by G.
Protein change: p.Thr353Ala; replaces threonine 353 with alanine.
Molecular consequence: missense variant.
Genome position (GRCh38, 1-based): chr1:229,431,576, T>C on the plus strand (A>G on the coding strand, the complement: ACTA1 is on the minus strand). VCF-style: chr1-229431576-T-C. GRCh37 (hg19) VCF-style: chr1-229567323-T-C.
Other names: short protein forms T353A.
Identifiers: ClinVar variation 843807 (VCV000843807.12), dbSNP rs1659934469, ClinGen allele CA345144580.